The following is an entry in ClinVar:

ClinVar aggregate classification (germline): Uncertain significance. Review status: criteria provided, multiple submitters, no conflicts (2 of 4 stars). 3 submissions from 3 submitters: Uncertain significance (3). Last evaluated 2024-07-26.

Conditions:
Inborn genetic diseases. Identifiers: MedGen C0950123, MeSH D030342.
Acral peeling skin syndrome. Also called: Peeling skin syndrome 2. Identifiers: Orphanet 263534, MedGen C1853354, MONDO:0012345, OMIM 609796.

Allele frequency attached by ClinVar (database versions not stated): TOPMed 0.00005; gnomAD 0.00006; ExAC 0.00007; gnomAD exomes 0.00008; 1000 Genomes Project 30x 0.00016; 1000 Genomes Project 0.00020.
gnomAD v4.1: 125 of 1,614,168 alleles (0.0077%); highest among the groups gnomAD compares: South Asian, 0.024%; no homozygotes.

Submissions (3):

GeneDx
Classification: Uncertain significance. Last evaluated: 2024-07-26. Review status: criteria provided, single submitter. Criteria: GeneDx Variant Classification Process June 2021. Collection method: clinical testing. Allele origin: germline. Affected: yes.
Comment: In silico analysis indicates that this missense variant does not alter protein structure/function; Has not been previously published as pathogenic or benign to our knowledge

Revvity Omics, Revvity
Classification: Uncertain significance for Acral peeling skin syndrome. Last evaluated: 2022-09-07. Review status: criteria provided, single submitter. Criteria: ACMG Guidelines, 2015. Collection method: clinical testing. Allele origin: germline.

Ambry Genetics
Classification: Uncertain significance for Inborn genetic diseases. Last evaluated: 2022-01-07. Review status: criteria provided, single submitter. Criteria: Ambry Variant Classification Scheme 2023. Collection method: clinical testing. Allele origin: germline.

NM_201631.4(TGM5):c.380C>T (p.Ser127Phe)

Gene: TGM5 (transglutaminase 5; minus strand). Cytogenetic location: 15q15.2.
Variant type: single nucleotide variant.
Coding change: c.380C>T on transcript NM_201631.4 (MANE Select); coding-DNA position 380, C replaced by T.
Protein change: p.Ser127Phe; replaces serine 127 with phenylalanine.
Molecular consequence: missense variant. On other transcripts: intron variant (1).
Genome position (GRCh38, 1-based): chr15:43,260,108, G>A on the plus strand (C>T on the coding strand, the complement: TGM5 is on the minus strand). VCF-style: chr15-43260108-G-A. GRCh37 (hg19) VCF-style: chr15-43552306-G-A.
Other names: c.190+292C>T (NM_004245.4); short protein forms S127F.
Identifiers: ClinVar variation 2355114 (VCV002355114.6), dbSNP rs575568370, ClinGen allele CA7521376.
Genomic context (GRCh38, chr15:43,260,108, plus strand): 5'-TTACCTGGGCACCAGGGATTGAAAAGCAGGATGAACTCCCCTAGCTGGTAGGCCGTCACA[G>A]ACCCCTGGAAGGAGTCGATGTGGATTTTCAAGAGGTACCGACCCACGGCCGCCGTGGGAG-3'
Protein context (NP_963925.2, residues 117-137): LKIHIDSFQG[Ser127Phe]VTAYQLGEFI